The following is an entry in ClinVar:

NM_001005242.3(PKP2):c.2289C>G (p.Tyr763Ter)

Gene: PKP2 (plakophilin 2; minus strand). Cytogenetic location: 12p11.21.
Variant type: single nucleotide variant.
Coding change: c.2289C>G on transcript NM_001005242.3 (MANE Select); coding-DNA position 2289, C replaced by G.
Protein change: p.Tyr763Ter; replaces tyrosine 763 with a stop codon.
Molecular consequence: nonsense. On other transcripts: intron variant (2).
Genome position (GRCh38, 1-based): chr12:32,796,177, G>C on the plus strand (C>G on the coding strand, the complement: PKP2 is on the minus strand). VCF-style: chr12-32796177-G-C. GRCh37 (hg19) VCF-style: chr12-32949111-G-C.
Other names: c.2124C>G, p.Tyr708Ter (NM_001407156.1); c.1962C>G, p.Tyr654Ter (NM_001407158.1, NM_001407159.1); c.2421C>G, p.Tyr807Ter (NM_004572.4); c.2168-3446C>G (NM_001407155.1); c.1841-3446C>G (NM_001407160.1); short protein forms Y654*, Y708*, Y763*, Y807*.
Identifiers: ClinVar variation 3626149 (VCV003626149.3).

ClinVar aggregate classification (germline): Pathogenic. Review status: criteria provided, multiple submitters, no conflicts (2 of 4 stars). 2 submissions from 2 submitters: Pathogenic (2). Last evaluated 2026-01-24.

Conditions:
Cardiovascular phenotype. Identifiers: MedGen CN230736.
Arrhythmogenic right ventricular dysplasia 9 (ARVD9). Also called: Arrhythmogenic Right Ventricular Dysplasia/Cardiomyopathy 9; ARRHYTHMOGENIC RIGHT VENTRICULAR DYSPLASIA, FAMILIAL, 9. Identifiers: MedGen C1836906, MONDO:0012180, OMIM 609040.

gnomAD v4.1: 2 of 1,614,042 alleles (0.00012%); highest among the groups gnomAD compares: African/African-American, 0.0013%; no homozygotes.

Submissions (2):

Labcorp Genetics (formerly Invitae), Labcorp
Classification: Pathogenic for Arrhythmogenic right ventricular dysplasia 9. Last evaluated: 2026-01-24. Review status: criteria provided, single submitter. Criteria: Invitae Variant Classification Sherloc (09022015). Collection method: clinical testing. Allele origin: germline.
Comment: This sequence change creates a premature translational stop signal (p.Tyr807*) in the PKP2 gene. It is expected to result in an absent or disrupted protein product. Loss-of-function variants in PKP2 are known to be pathogenic (PMID: 15489853, 17041889, 23911551). This variant is not present in population databases (gnomAD no frequency). This premature translational stop signal has been observed in individual(s) with arrhythmogenic right ventricular cardiomyopathy (PMID: 23871674, 35536239). ClinVar contains an entry for this variant (Variation ID: 3626149). For these reasons, this variant has been classified as Pathogenic.

Ambry Genetics
Classification: Pathogenic for Cardiovascular phenotype. Last evaluated: 2025-01-23. Review status: criteria provided, single submitter. Criteria: Ambry Variant Classification Scheme 2023. Collection method: clinical testing. Allele origin: germline.
Comment: The p.Y807* pathogenic mutation (also known as c.2421C>G), located in coding exon 12 of the PKP2 gene, results from a C to G substitution at nucleotide position 2421. This changes the amino acid from a tyrosine to a stop codon within coding exon 12. Another variant variant resulting in the same amino acid change (c.2421C>A) has been identified in individual(s) with features consistent with arrhythmogenic right ventricular cardiomyopathy (van Tintelen JP et al. Circulation, 2006 Apr;113:1650-8). This variant is considered to be rare based on population cohorts in the Genome Aggregation Database (gnomAD). This alteration is expected to result in loss of function by premature protein truncation or nonsense-mediated mRNA decay. As such, this alteration is interpreted as a disease-causing mutation.

Literature cited by the submitters: PubMed 15489853 (cited by Labcorp Genetics (formerly Invitae), Labcorp); PubMed 17041889 (cited by Labcorp Genetics (formerly Invitae), Labcorp); PubMed 23911551 (cited by Labcorp Genetics (formerly Invitae), Labcorp); PubMed 23871674 (cited by Labcorp Genetics (formerly Invitae), Labcorp); PubMed 35536239 (cited by Labcorp Genetics (formerly Invitae), Labcorp and Ambry Genetics); PubMed 16567567 (cited by Ambry Genetics); PubMed 31386562 (cited by Ambry Genetics).